The following is an entry in ClinVar:

ClinVar aggregate classification (germline): Uncertain significance. Review status: criteria provided, multiple submitters, no conflicts (2 of 4 stars). 2 submissions from 2 submitters: Uncertain significance (2). Last evaluated 2026-05-28.

Conditions:
Hereditary cancer-predisposing syndrome. Also called: Hereditary neoplastic syndrome; Tumor predisposition; Hereditary Cancer Syndrome; Neoplastic Syndromes, Hereditary. Identifiers: Orphanet 140162, MedGen C0027672, MeSH D009386, MONDO:0015356.
Familial cancer of breast. Also called: BREAST CANCER, FAMILIAL; Hereditary breast cancer; hereditary breast carcinoma. Identifiers: Orphanet 227535, MedGen C0346153, MONDO:0016419, OMIM 114480. Disease mechanism: loss of function.

Submissions (2):

Ambry Genetics
Classification: Uncertain significance for Hereditary cancer-predisposing syndrome. Last evaluated: 2026-05-28. Review status: criteria provided, single submitter. Criteria: Ambry Variant Classification Scheme 2023. Collection method: clinical testing. Allele origin: germline.
Comment: The p.I538N variant (also known as c.1613T>A), located in coding exon 4 of the PALB2 gene, results from a T to A substitution at nucleotide position 1613. The isoleucine at codon 538 is replaced by asparagine, an amino acid with dissimilar properties. This amino acid position is conserved. In addition, this alteration is predicted to be tolerated by in silico analysis. Based on the available evidence, the clinical significance of this variant remains unclear.

Labcorp Genetics (formerly Invitae), Labcorp
Classification: Uncertain significance for Familial cancer of breast. Last evaluated: 2024-05-09. Review status: criteria provided, single submitter. Criteria: Invitae Variant Classification Sherloc (09022015). Collection method: clinical testing. Allele origin: germline.
Comment: This sequence change replaces isoleucine, which is neutral and non-polar, with asparagine, which is neutral and polar, at codon 538 of the PALB2 protein (p.Ile538Asn). This variant is not present in population databases (gnomAD no frequency). This variant has not been reported in the literature in individuals affected with PALB2-related conditions. Advanced modeling of protein sequence and biophysical properties (such as structural, functional, and spatial information, amino acid conservation, physicochemical variation, residue mobility, and thermodynamic stability) performed at Invitae indicates that this missense variant is not expected to disrupt PALB2 protein function with a negative predictive value of 80%. In summary, the available evidence is currently insufficient to determine the role of this variant in disease. Therefore, it has been classified as a Variant of Uncertain Significance.

NM_024675.4(PALB2):c.1613T>A (p.Ile538Asn)

Gene: PALB2 (partner and localizer of BRCA2; minus strand). Cytogenetic location: 16p12.2.
Variant type: single nucleotide variant.
Coding change: c.1613T>A on transcript NM_024675.4 (MANE Select); coding-DNA position 1613, T replaced by A.
Protein change: p.Ile538Asn; replaces isoleucine 538 with asparagine.
Molecular consequence: missense variant. On other transcripts: intron variant (3).
Genome position (GRCh38, 1-based): chr16:23,634,933, A>T on the plus strand (T>A on the coding strand, the complement: PALB2 is on the minus strand). VCF-style: chr16-23634933-A-T. GRCh37 (hg19) VCF-style: chr16-23646254-A-T.
Other names: c.1553T>A, p.Ile518Asn (NM_001407296.1); c.1613T>A, p.Ile538Asn (NM_001407297.1, NM_001407298.1, NM_001407299.1 and 3 more transcripts); c.49-5658T>A (NM_001407314.1); c.-104-4464T>A (NM_001407313.1, NM_001407312.1); c.728T>A, p.Ile243Asn (NM_001407304.1, NM_001407305.1, NM_001407306.1 and 5 more transcripts); short protein forms I538N, I243N, I518N.
Identifiers: ClinVar variation 3652830 (VCV003652830.3).